The following is an entry in ClinVar:

NM_000264.5(PTCH1):c.1435C>G (p.Leu479Val)

Gene: PTCH1 (patched 1; minus strand). Cytogenetic location: 9q22.32.
Variant type: single nucleotide variant.
Coding change: c.1435C>G on transcript NM_000264.5 (MANE Select); coding-DNA position 1435, C replaced by G.
Protein change: p.Leu479Val; replaces leucine 479 with valine.
Molecular consequence: missense variant. On other transcripts: non-coding transcript variant (1), intron variant (1).
Genome position (GRCh38, 1-based): chr9:95,477,615, G>C on the plus strand (C>G on the coding strand, the complement: PTCH1 is on the minus strand). VCF-style: chr9-95477615-G-C. GRCh37 (hg19) VCF-style: chr9-98239897-G-C.
Other names: c.1237C>G, p.Leu413Val (NM_001083602.3); c.1432C>G, p.Leu478Val (NM_001083603.3); c.982C>G, p.Leu328Val (NM_001083604.3, NM_001083605.3, NM_001083606.3 and 1 more transcripts); c.1347+440C>G (NM_001354918.2); short protein forms L413V, L478V, L479V, L328V.
Identifiers: ClinVar variation 2841182 (VCV002841182.3), dbSNP rs1298358252, ClinGen allele CA374118509.

ClinVar aggregate classification (germline): Uncertain significance (1 of 4 stars; one submission).

Conditions:
Gorlin syndrome. Also called: Nevoid Basal Cell Carcinoma Syndrome; Basal cell nevus syndrome. Identifiers: Orphanet 377, MedGen C0004779, MONDO:0007187.

Submission:

Labcorp Genetics (formerly Invitae), Labcorp
Classification: Uncertain significance for Gorlin syndrome. Last evaluated: 2023-02-26. Review status: criteria provided, single submitter. Criteria: Invitae Variant Classification Sherloc (09022015). Collection method: clinical testing. Allele origin: germline.
Comment: This sequence change replaces leucine, which is neutral and non-polar, with valine, which is neutral and non-polar, at codon 479 of the PTCH1 protein (p.Leu479Val). In summary, the available evidence is currently insufficient to determine the role of this variant in disease. Therefore, it has been classified as a Variant of Uncertain Significance. Advanced modeling of protein sequence and biophysical properties (such as structural, functional, and spatial information, amino acid conservation, physicochemical variation, residue mobility, and thermodynamic stability) performed at Invitae indicates that this missense variant is not expected to disrupt PTCH1 protein function. This variant has not been reported in the literature in individuals affected with PTCH1-related conditions. This variant is not present in population databases (gnomAD no frequency).